The following is an entry in ClinVar:

ClinVar aggregate classification (germline): Conflicting classifications of pathogenicity. Review status: criteria provided, conflicting classifications (1 of 4 stars). 4 submissions from 4 submitters: Uncertain significance (2); Benign (1). 1 of the submissions does not count toward it. Last evaluated 2024-11-05.

Conditions:
SCLT1-related disorder. Also called: SCLT1-related condition.

Allele frequency attached by ClinVar (database versions not stated): gnomAD exomes 0.00006 and 0.00012; ExAC 0.00021; gnomAD 0.00038; TOPMed 0.00050; ESP Exome Variant Server 0.00062; 1000 Genomes Project 30x 0.00125; 1000 Genomes Project 0.00160.
gnomAD v4.1: 155 of 1,594,104 alleles (0.0097%); highest among the groups gnomAD compares: African/African-American, 0.17%; 1 homozygote.

Submissions (4):

Labcorp Genetics (formerly Invitae), Labcorp
Classification: Uncertain significance. Last evaluated: 2024-11-05. Review status: criteria provided, single submitter. Criteria: Invitae Variant Classification Sherloc (09022015). Collection method: clinical testing. Allele origin: germline.
Comment: This sequence change replaces arginine, which is basic and polar, with histidine, which is basic and polar, at codon 557 of the SCLT1 protein (p.Arg557His). This variant is present in population databases (rs149400028, gnomAD 0.2%). This variant has not been reported in the literature in individuals affected with SCLT1-related conditions. ClinVar contains an entry for this variant (Variation ID: 1036261). An algorithm developed to predict the effect of missense changes on protein structure and function outputs the following: PolyPhen-2: "Benign". The histidine amino acid residue is found in multiple mammalian species, which suggests that this missense change does not adversely affect protein function. In summary, the available evidence is currently insufficient to determine the role of this variant in disease. Therefore, it has been classified as a Variant of Uncertain Significance.

Blueprint Genetics
Classification: Benign. Last evaluated: 2024-07-30. Review status: criteria provided, single submitter. Criteria: ACMG Guidelines, 2015. Collection method: clinical testing. Allele origin: germline.

Breakthrough Genomics
Classification: Uncertain significance. Review status: criteria provided, single submitter. Criteria: ACMG Guidelines, 2015. Collection method: not provided. Allele origin: germline. Inheritance: Unknown mechanism. Affected: yes.

PreventionGenetics, part of Exact Sciences
Classification: Likely benign for SCLT1-related condition. Last evaluated: 2024-09-04. Review status: no assertion criteria provided. Collection method: clinical testing. Allele origin: germline. Not counted in ClinVar's aggregate classification.
Comment: This variant is classified as likely benign based on ACMG/AMP sequence variant interpretation guidelines (Richards et al. 2015 PMID: 25741868, with internal and published modifications).

NM_144643.4(SCLT1):c.1670G>A (p.Arg557His)

Gene: SCLT1 (sodium channel and clathrin linker 1; minus strand). Cytogenetic location: 4q28.2.
Variant type: single nucleotide variant.
Coding change: c.1670G>A on transcript NM_144643.4 (MANE Select); coding-DNA position 1670, G replaced by A.
Protein change: p.Arg557His; replaces arginine 557 with histidine.
Molecular consequence: missense variant.
Genome position (GRCh38, 1-based): chr4:128,936,814, C>T on the plus strand (G>A on the coding strand, the complement: SCLT1 is on the minus strand). VCF-style: chr4-128936814-C-T. GRCh37 (hg19) VCF-style: chr4-129857969-C-T.
Other names: c.1670G>A (NM_144643.3); short protein forms R557H.
Identifiers: ClinVar variation 1036261 (VCV001036261.8), dbSNP rs149400028, ClinGen allele CA3079544.
Genomic context (GRCh38, chr4:128,936,814, plus strand): 5'-AGTTCAACAATGGAATTTCTATTACTGTCTTCCATCTCTCTCAATTGAACTTCAAATCCA[C>T]GTTCCTTTATTGAAAATTCATGTTCCATTGTACTGATCTAAAGAATAAAATGAAAACGTA-3'
Protein context (NP_653244.2, residues 547-567): TMEHEFSIKE[Arg557His]GFEVQLREME